The following is an entry in ClinVar:

ClinVar aggregate classification (germline): Uncertain significance (1 of 4 stars; one submission).

Conditions:
Polyglucosan body myopathy type 1 (PGBM1). Also called: POLYGLUCOSAN BODY MYOPATHY WITHOUT IMMUNODEFICIENCY; Polyglucosan body myopathy 1 with or without immunodeficiency. Identifiers: Orphanet 329173, Orphanet 397937, MedGen C4014605, MONDO:0014389, OMIM 615895.

Allele frequency attached by ClinVar (database versions not stated): ExAC 0.00001; gnomAD exomes 0.00001 and 0.00002; TOPMed 0.00001.
gnomAD v4.1: 27 of 1,613,942 alleles (0.0017%); highest among the groups gnomAD compares: Non-Finnish European, 0.0021%; no homozygotes.

Submission:

Labcorp Genetics (formerly Invitae), Labcorp
Classification: Uncertain significance for Polyglucosan body myopathy type 1. Last evaluated: 2022-05-25. Review status: criteria provided, single submitter. Criteria: Invitae Variant Classification Sherloc (09022015). Collection method: clinical testing. Allele origin: germline.
Comment: This sequence change replaces threonine, which is neutral and polar, with isoleucine, which is neutral and non-polar, at codon 68 of the RBCK1 protein (p.Thr68Ile). This variant is present in population databases (rs753472058, gnomAD 0.003%). This variant has not been reported in the literature in individuals affected with RBCK1-related conditions. ClinVar contains an entry for this variant (Variation ID: 541948). Algorithms developed to predict the effect of missense changes on protein structure and function are either unavailable or do not agree on the potential impact of this missense change (SIFT: "Not Available"; PolyPhen-2: "Benign"; Align-GVGD: "Not Available"). In summary, the available evidence is currently insufficient to determine the role of this variant in disease. Therefore, it has been classified as a Variant of Uncertain Significance.

NM_031229.4(RBCK1):c.203C>T (p.Thr68Ile)

Gene: RBCK1 (RANBP2-type and C3HC4-type zinc finger containing 1; plus strand). Cytogenetic location: 20p13.
Variant type: single nucleotide variant.
Coding change: c.203C>T on transcript NM_031229.4 (MANE Select); coding-DNA position 203, C replaced by T.
Protein change: p.Thr68Ile; replaces threonine 68 with isoleucine.
Molecular consequence: missense variant. On other transcripts: 5 prime UTR variant (2), non-coding transcript variant (1).
Genome position (GRCh38, 1-based): chr20:417,561, C>T. VCF-style: chr20-417561-C-T. GRCh37 (hg19) VCF-style: chr20-398205-C-T.
Other names: c.-147C>T (NM_001323956.2, NM_001323958.2); c.77C>T, p.Thr26Ile (NM_006462.6); short protein forms T68I, T26I.
Identifiers: ClinVar variation 541948 (VCV000541948.6), dbSNP rs753472058, ClinGen allele CA9723003.